The following is an entry in ClinVar:

ClinVar aggregate classification (germline): Uncertain significance (1 of 4 stars; one submission).

Conditions:
Inborn genetic diseases. Identifiers: MedGen C0950123, MeSH D030342.

gnomAD v4.1: 1 of 1,575,822 alleles (0.000063%); highest among the groups gnomAD compares: Admixed American, 0.0018%; no homozygotes.

Submission:

Ambry Genetics
Classification: Uncertain significance for Inborn genetic diseases. Last evaluated: 2024-09-02. Review status: criteria provided, single submitter. Criteria: Ambry Variant Classification Scheme 2023. Collection method: clinical testing. Allele origin: germline.
Comment: The p.C484W variant (also known as c.1452C>G), located in coding exon 4 of the SMAD6 gene, results from a C to G substitution at nucleotide position 1452. The cysteine at codon 484 is replaced by tryptophan, an amino acid with highly dissimilar properties. This amino acid position is conserved. In addition, this alteration is predicted to be deleterious by in silico analysis. Based on the available evidence, the clinical significance of this variant remains unclear.

NM_005585.5(SMAD6):c.1452C>G (p.Cys484Trp)

Gene: SMAD6 (SMAD family member 6; plus strand). Cytogenetic location: 15q22.31.
Variant type: single nucleotide variant.
Coding change: c.1452C>G on transcript NM_005585.5 (MANE Select); coding-DNA position 1452, C replaced by G.
Protein change: p.Cys484Trp; replaces cysteine 484 with tryptophan.
Molecular consequence: missense variant. On other transcripts: non-coding transcript variant (1).
Genome position (GRCh38, 1-based): chr15:66,781,496, C>G. VCF-style: chr15-66781496-C-G. GRCh37 (hg19) VCF-style: chr15-67073834-C-G.
Other names: short protein forms C484W.
Identifiers: ClinVar variation 3445895 (VCV003445895.1).